The following is an entry in ClinVar:

ClinVar aggregate classification (germline): Uncertain significance (1 of 4 stars; one submission).

Conditions:
Early-infantile DEE. Also called: Early infantile epileptic encephalopathy; Ohtahara syndrome; Early infantile epileptic encephalopathy with suppression bursts. Identifiers: Orphanet 1934, MedGen C0393706, MONDO:0800491.

gnomAD v4.1: 8 of 1,614,098 alleles (0.0005%); no homozygotes.

Submission:

Labcorp Genetics (formerly Invitae), Labcorp
Classification: Uncertain significance for Early-infantile DEE. Last evaluated: 2024-05-02. Review status: criteria provided, single submitter. Criteria: Invitae Variant Classification Sherloc (09022015). Collection method: clinical testing. Allele origin: germline.
Comment: This sequence change replaces lysine, which is basic and polar, with glutamic acid, which is acidic and polar, at codon 1332 of the SPTAN1 protein (p.Lys1332Glu). This variant is present in population databases (rs748472114, gnomAD 0.01%). This variant has not been reported in the literature in individuals affected with SPTAN1-related conditions. Advanced modeling of protein sequence and biophysical properties (such as structural, functional, and spatial information, amino acid conservation, physicochemical variation, residue mobility, and thermodynamic stability) has been performed at Invitae for this missense variant, however the output from this modeling did not meet the statistical confidence thresholds required to predict the impact of this variant on SPTAN1 protein function. In summary, the available evidence is currently insufficient to determine the role of this variant in disease. Therefore, it has been classified as a Variant of Uncertain Significance.

NM_001130438.3(SPTAN1):c.3994A>G (p.Lys1332Glu)

Gene: SPTAN1 (spectrin alpha, non-erythrocytic 1; plus strand). Cytogenetic location: 9q34.11.
Variant type: single nucleotide variant.
Coding change: c.3994A>G on transcript NM_001130438.3 (MANE Select); coding-DNA position 3994, A replaced by G.
Protein change: p.Lys1332Glu; replaces lysine 1332 with glutamic acid.
Molecular consequence: missense variant.
Genome position (GRCh38, 1-based): chr9:128,605,425, A>G. VCF-style: chr9-128605425-A-G. GRCh37 (hg19) VCF-style: chr9-131367704-A-G.
Other names: c.4030A>G, p.Lys1344Glu (NM_001375318.1, NM_001375312.2); c.3994A>G, p.Lys1332Glu (NM_003127.4, NM_001363759.2, NM_001375310.1 and 2 more transcripts); c.3934A>G, p.Lys1312Glu (NM_001195532.2, NM_001363765.2, NM_001375314.2); short protein forms K1312E, K1332E, K1344E.
Identifiers: ClinVar variation 3622146 (VCV003622146.2).
Genomic context (GRCh38, chr9:128,605,425, plus strand): 5'-GAAAAGTGCACAGAGTTAAACCAGGCCTGGAGCAGCCTGGGGAAACGTGCAGATCAGCGC[A>G]AGGCAAAGTTGGGTGACTCCCACGACCTGCAGCGCTTCCTTAGCGATTTCCGGTACGGAG-3'
Protein context (NP_001123910.1, residues 1322-1342): SSLGKRADQR[Lys1332Glu]AKLGDSHDLQ